The following is an entry in ClinVar:

NM_001375524.1(TRRAP):c.3490A>G (p.Ile1164Val)

Gene: TRRAP (transformation/transcription domain associated protein; plus strand). Cytogenetic location: 7q22.1.
Variant type: single nucleotide variant.
Coding change: c.3490A>G on transcript NM_001375524.1 (MANE Select); coding-DNA position 3490, A replaced by G.
Protein change: p.Ile1164Val; replaces isoleucine 1164 with valine.
Molecular consequence: missense variant.
Genome position (GRCh38, 1-based): chr7:98,930,729, A>G. VCF-style: chr7-98930729-A-G. GRCh37 (hg19) VCF-style: chr7-98528352-A-G.
Other names: c.3490A>G, p.Ile1164Val (NM_001244580.2, NM_003496.4); short protein forms I1164V.
Identifiers: ClinVar variation 3329357 (VCV003329357.3).

ClinVar aggregate classification (germline): Conflicting classifications of pathogenicity. Review status: criteria provided, conflicting classifications (1 of 4 stars). 2 submissions from 2 submitters: Uncertain significance (1); Likely benign (1). Last evaluated 2024-11-18.

Conditions:
Inborn genetic diseases. Identifiers: MedGen C0950123, MeSH D030342.

Submissions (2):

Labcorp Genetics (formerly Invitae), Labcorp
Classification: Uncertain significance. Last evaluated: 2024-11-18. Review status: criteria provided, single submitter. Criteria: Invitae Variant Classification Sherloc (09022015). Collection method: clinical testing. Allele origin: germline.
Comment: This sequence change replaces isoleucine, which is neutral and non-polar, with valine, which is neutral and non-polar, at codon 1164 of the TRRAP protein (p.Ile1164Val). This variant is present in population databases (no rsID available, gnomAD 0.01%). This variant has not been reported in the literature in individuals affected with TRRAP-related conditions. Invitae Evidence Modeling of protein sequence and biophysical properties (such as structural, functional, and spatial information, amino acid conservation, physicochemical variation, residue mobility, and thermodynamic stability) indicates that this missense variant is not expected to disrupt TRRAP protein function with a negative predictive value of 80%. In summary, the available evidence is currently insufficient to determine the role of this variant in disease. Therefore, it has been classified as a Variant of Uncertain Significance.

Ambry Genetics
Classification: Likely benign for Inborn genetic diseases. Last evaluated: 2024-04-27. Review status: criteria provided, single submitter. Criteria: Ambry Variant Classification Scheme 2023. Collection method: clinical testing. Allele origin: germline.